The following is an entry in ClinVar:

ClinVar aggregate classification (germline): Likely pathogenic (1 of 4 stars; one submission).

Submission:

Labcorp Genetics (formerly Invitae), Labcorp
Classification: Likely pathogenic. Last evaluated: 2023-05-15. Review status: criteria provided, single submitter. Criteria: Invitae Variant Classification Sherloc (09022015). Collection method: clinical testing. Allele origin: germline.
Comment: This variant is not present in population databases (gnomAD no frequency). This variant has not been reported in the literature in individuals affected with COL4A4-related conditions. Algorithms developed to predict the effect of sequence changes on RNA splicing suggest that this variant may disrupt the consensus splice site. In summary, the currently available evidence indicates that the variant is pathogenic, but additional data are needed to prove that conclusively. Therefore, this variant has been classified as Likely Pathogenic. This sequence change affects a donor splice site in intron 11 of the COL4A4 gene. It is expected to disrupt RNA splicing. Variants that disrupt the donor or acceptor splice site typically lead to a loss of protein function (PMID: 16199547), and loss-of-function variants in COL4A4 are known to be pathogenic (PMID: 21196518, 24854265, 25307543).

Literature cited by the submitters: PubMed 16199547; PubMed 21196518; PubMed 24854265; PubMed 25307543.

NM_000092.5(COL4A4):c.693+2T>C

Gene: COL4A4 (collagen type IV alpha 4 chain; minus strand). Cytogenetic location: 2q36.3.
Variant type: single nucleotide variant.
Coding change: c.693+2T>C on transcript NM_000092.5 (MANE Select); the canonical splice donor site of the intron after coding-DNA position 693, T replaced by C.
Molecular consequence: splice donor variant.
Genome position (GRCh38, 1-based): chr2:227,108,831, A>G on the plus strand (T>C on the coding strand, the complement: COL4A4 is on the minus strand). VCF-style: chr2-227108831-A-G. GRCh37 (hg19) VCF-style: chr2-227973547-A-G.
Identifiers: ClinVar variation 2780016 (VCV002780016.3), dbSNP rs2475785741, ClinGen allele CA350859449.
Genomic context (GRCh38, chr2:227,108,831, plus strand): 5'-TCAGTGGTCAACCATTTCATTGTTCAGGGCTCTATTGATGTATCTTGCTCATGACTGCCT[A>G]CCTTCAAACCTGGACGCCCTGGTTGGCCCGGAGGTCCCTAAATCAAGGGAGAAAAAAACA-3'